The following is an entry in ClinVar:

ClinVar aggregate classification (germline): Likely pathogenic (1 of 4 stars; one submission).

Conditions:
Retinal dystrophy. Also called: Inherited retinal dystrophy. Identifiers: Orphanet 71862, MedGen C0854723, MeSH D058499, MONDO:0019118, HP:0000556.

Submission:

Dubai Health Genomic Medicine Center, Dubai Health
Classification: Likely pathogenic for Retinal dystrophy. Last evaluated: 2024-10-04. Review status: criteria provided, single submitter. Criteria: ACMG Guidelines, 2015. Collection method: research. Allele origin: germline. Affected: yes.
Comment: PVS1,PM2

NM_000350.3(ABCA4):c.749del (p.Phe250fs)

Gene: ABCA4 (ATP binding cassette subfamily A member 4; minus strand). Cytogenetic location: 1p22.1.
Variant type: Deletion.
Coding change: c.749del on transcript NM_000350.3 (MANE Select); coding-DNA position 749, one base deleted (T; older notation c.749delT).
Protein change: p.Phe250fs; shifts the reading frame from phenylalanine 250.
Molecular consequence: frameshift variant.
Genome position (GRCh38, 1-based): chr1:94,098,813, A deleted on the plus strand (T on the coding strand, the reverse complement: ABCA4 is on the minus strand); the first of 2 consecutive A bases (chr1:94,098,813-94,098,814); deleting either gives the same sequence. VCF-style (leftmost placement, unchanged base first): chr1-94098812-GA-G. GRCh37 (hg19) VCF-style: chr1-94564368-GA-G.
Other names: c.749del, p.Phe250fs (NM_001425324.1); short protein forms F250fs.
Identifiers: ClinVar variation 3384108 (VCV003384108.1).